The following is an entry in ClinVar:

NM_015271.5(TRIM2):c.328A>G (p.Ile110Val)

Gene: TRIM2 (tripartite motif containing 2; plus strand). Cytogenetic location: 4q31.3.
Variant type: single nucleotide variant.
Coding change: c.328A>G on transcript NM_015271.5 (MANE Select); coding-DNA position 328, A replaced by G.
Protein change: p.Ile110Val; replaces isoleucine 110 with valine.
Molecular consequence: missense variant. On other transcripts: 5 prime UTR variant (4).
Genome position (GRCh38, 1-based): chr4:153,276,005, A>G. VCF-style: chr4-153276005-A-G. GRCh37 (hg19) VCF-style: chr4-154197157-A-G.
Other names: c.247A>G, p.Ile83Val (NM_001130067.2, NM_001351056.2, NM_001375512.1 and 5 more transcripts); c.328A>G, p.Ile110Val (NM_001302692.2, NM_001375488.1, NM_001375490.1 and 1 more transcripts); c.325A>G, p.Ile109Val (NM_001302693.2, NM_001375489.1, NM_001375491.1 and 1 more transcripts); c.301A>G, p.Ile101Val (NM_001302694.2, NM_001351054.2); c.298A>G, p.Ile100Val (NM_001351055.2); c.-230A>G (NM_001351057.2); c.-12A>G (NM_001375522.1, NM_001375523.1, NM_001375525.1); c.328A>G (NM_015271.3); short protein forms I109V, I110V, I100V, I101V, I83V.
Identifiers: ClinVar variation 652898 (VCV000652898.9), dbSNP rs1435917917, ClinGen allele CA358470080.

ClinVar aggregate classification (germline): Uncertain significance. Review status: criteria provided, multiple submitters, no conflicts (2 of 4 stars). 2 submissions from 2 submitters: Uncertain significance (2). Last evaluated 2025-10-21.

Conditions:
Charcot-Marie-Tooth disease type 2R. Also called: Charcot-Marie-Tooth disease, axonal, type 2R; CHARCOT-MARIE-TOOTH DISEASE, AXONAL, AUTOSOMAL RECESSIVE, TYPE 2R; CHARCOT-MARIE-TOOTH NEUROPATHY, TYPE 2R. Identifiers: Orphanet 397968, MedGen C3809655, MONDO:0014208, OMIM 615490.

Allele frequency attached by ClinVar (database versions not stated): gnomAD exomes below 0.00001.
gnomAD v4.1: 1 of 1,614,196 alleles (0.000062%); highest among the groups gnomAD compares: Admixed American, 0.0017%; no homozygotes.

Submissions (2):

Ambry Genetics
Classification: Uncertain significance. Last evaluated: 2025-10-21. Review status: criteria provided, single submitter. Criteria: Ambry Variant Classification Scheme 2023. Collection method: clinical testing. Allele origin: germline.

Labcorp Genetics (formerly Invitae), Labcorp
Classification: Uncertain significance for Charcot-Marie-Tooth disease type 2R. Last evaluated: 2018-07-18. Review status: criteria provided, single submitter. Criteria: Invitae Variant Classification Sherloc (09022015). Collection method: clinical testing. Allele origin: germline.
Comment: This variant has not been reported in the literature in individuals with TRIM2-related disease. This sequence change replaces isoleucine with valine at codon 83 of the TRIM2 protein (p.Ile83Val). The isoleucine residue is highly conserved and there is a small physicochemical difference between isoleucine and valine. This variant is not present in population databases (ExAC no frequency). Algorithms developed to predict the effect of missense changes on protein structure and function are either unavailable or do not agree on the potential impact of this missense change (SIFT: "Deleterious"; PolyPhen-2: "Benign"; Align-GVGD: "Class C25"). In summary, the available evidence is currently insufficient to determine the role of this variant in disease. Therefore, it has been classified as a Variant of Uncertain Significance.